The following is an entry in ClinVar:

ClinVar aggregate classification (germline): Uncertain significance (1 of 4 stars; one submission).

Conditions:
Cardiovascular phenotype. Identifiers: MedGen CN230736.

gnomAD v4.1: 1 of 1,613,828 alleles (0.000062%); highest among the groups gnomAD compares: Non-Finnish European, 0.000085%; no homozygotes.

Submission:

Ambry Genetics
Classification: Uncertain significance for Cardiovascular phenotype. Last evaluated: 2026-02-02. Review status: criteria provided, single submitter. Criteria: Ambry Variant Classification Scheme 2023. Collection method: clinical testing. Allele origin: germline.
Comment: The p.E462* variant (also known as c.1384G>T), located in coding exon 8 of the AKAP9 gene, results from a G to T substitution at nucleotide position 1384. This changes the amino acid from a glutamic acid to a stop codon within coding exon 8. The evidence for this gene-disease relationship is limited; therefore, the clinical significance of this variant is unclear.

NM_005751.5(AKAP9):c.1384G>T (p.Glu462Ter)

Gene: AKAP9 (A-kinase anchoring protein 9; plus strand). Cytogenetic location: 7q21.2.
Variant type: single nucleotide variant.
Coding change: c.1384G>T on transcript NM_005751.5 (MANE Select); coding-DNA position 1384, G replaced by T.
Protein change: p.Glu462Ter; replaces glutamic acid 462 with a stop codon.
Molecular consequence: nonsense.
Genome position (GRCh38, 1-based): chr7:92,001,301, G>T. VCF-style: chr7-92001301-G-T. GRCh37 (hg19) VCF-style: chr7-91630615-G-T.
Other names: c.1384G>T, p.Glu462Ter (NM_147185.3); short protein forms E462*.
Identifiers: ClinVar variation 4825393 (VCV004825393.1).